The following is an entry in ClinVar:

NM_001130004.2(ACTN1):c.832G>A (p.Asp278Asn)

Gene: ACTN1 (actinin alpha 1; minus strand). Cytogenetic location: 14q24.1.
Variant type: single nucleotide variant.
Coding change: c.832G>A on transcript NM_001130004.2 (MANE Select); coding-DNA position 832, G replaced by A.
Protein change: p.Asp278Asn; replaces aspartic acid 278 with asparagine.
Molecular consequence: missense variant.
Genome position (GRCh38, 1-based): chr14:68,893,678, C>T on the plus strand (G>A on the coding strand, the complement: ACTN1 is on the minus strand). VCF-style: chr14-68893678-C-T. GRCh37 (hg19) VCF-style: chr14-69360395-C-T.
Other names: c.832G>A, p.Asp278Asn (NM_001102.4, NM_001130005.2, NM_001411035.1 and 9 more transcripts); c.637G>A, p.Asp213Asn (NM_001411036.1, NM_001424026.1, NM_001424028.1); c.958G>A, p.Asp320Asn (NM_001424013.1); c.919G>A, p.Asp307Asn (NM_001424015.1); c.829G>A, p.Asp277Asn (NM_001424017.1); c.769G>A, p.Asp257Asn (NM_001424018.1, NM_001424020.1, NM_001424022.1); c.7G>A, p.Asp3Asn (NM_001424030.1); c.763G>A, p.Asp255Asn (NM_001424021.1); short protein forms D213N, D255N, D257N, D277N, D278N, D307N, D320N, D3N.
Identifiers: ClinVar variation 4532309 (VCV004532309.1).

ClinVar aggregate classification (germline): Uncertain significance (1 of 4 stars; one submission).

Submission:

GeneDx
Classification: Uncertain significance. Last evaluated: 2025-05-30. Review status: criteria provided, single submitter. Criteria: GeneDx Variant Classification Process June 2021. Collection method: clinical testing. Allele origin: germline. Affected: yes.
Comment: Not observed at significant frequency in large population cohorts (gnomAD); In silico analysis supports that this missense variant has a deleterious effect on protein structure/function; Has not been previously published as pathogenic or benign to our knowledge